The following is an entry in ClinVar:

ClinVar aggregate classification (germline): Uncertain significance (1 of 4 stars; one submission).

Conditions:
Cardiovascular phenotype. Identifiers: MedGen CN230736.

Submission:

Ambry Genetics
Classification: Uncertain significance for Cardiovascular phenotype. Last evaluated: 2025-06-10. Review status: criteria provided, single submitter. Criteria: Ambry Variant Classification Scheme 2023. Collection method: clinical testing. Allele origin: germline.
Comment: The p.R1813K variant (also known as c.5438G>A), located in coding exon 14 of the TNXB gene, results from a G to A substitution at nucleotide position 5438. The arginine at codon 1813 is replaced by lysine, an amino acid with highly similar properties. This amino acid position is conserved. In addition, this alteration is predicted to be tolerated by in silico analysis. Based on the available evidence, the clinical significance of this variant remains unclear.

NM_001365276.2(TNXB):c.5438G>A (p.Arg1813Lys)

Gene: TNXB (tenascin XB; minus strand). Cytogenetic location: 6p21.33.
Variant type: single nucleotide variant.
Coding change: c.5438G>A on transcript NM_001365276.2 (MANE Select); coding-DNA position 5438, G replaced by A.
Protein change: p.Arg1813Lys; replaces arginine 1813 with lysine.
Molecular consequence: missense variant.
Genome position (GRCh38, 1-based): chr6:32,069,702, C>T on the plus strand (G>A on the coding strand, the complement: TNXB is on the minus strand). VCF-style: chr6-32069702-C-T. GRCh37 (hg19) VCF-style: chr6-32037479-C-T.
Other names: c.6179G>A, p.Arg2060Lys (NM_001428335.1); c.5438G>A, p.Arg1813Lys (NM_019105.8); short protein forms R2060K, R1813K.
Identifiers: ClinVar variation 3972055 (VCV003972055.1).